The following is an entry in ClinVar:

NM_020699.4(GATAD2B):c.1402G>A (p.Ala468Thr)

Gene: GATAD2B (GATA zinc finger domain containing 2B; minus strand). Cytogenetic location: 1q21.3.
Variant type: single nucleotide variant.
Coding change: c.1402G>A on transcript NM_020699.4 (MANE Select); coding-DNA position 1402, G replaced by A.
Protein change: p.Ala468Thr; replaces alanine 468 with threonine.
Molecular consequence: missense variant.
Genome position (GRCh38, 1-based): chr1:153,813,267, C>T on the plus strand (G>A on the coding strand, the complement: GATAD2B is on the minus strand). VCF-style: chr1-153813267-C-T. GRCh37 (hg19) VCF-style: chr1-153785743-C-T.
Other names: short protein forms A468T.
Identifiers: ClinVar variation 4766601 (VCV004766601.1).

ClinVar aggregate classification (germline): Uncertain significance (1 of 4 stars; one submission).

Submission:

Labcorp Genetics (formerly Invitae), Labcorp
Classification: Uncertain significance. Last evaluated: 2025-11-24. Review status: criteria provided, single submitter. Criteria: Invitae Variant Classification Sherloc (09022015). Collection method: clinical testing. Allele origin: germline.
Comment: This sequence change replaces alanine, which is neutral and non-polar, with threonine, which is neutral and polar, at codon 468 of the GATAD2B protein (p.Ala468Thr). This variant is not present in population databases (gnomAD no frequency). This variant has not been reported in the literature in individuals affected with GATAD2B-related conditions. Invitae Evidence Modeling of protein sequence and biophysical properties (such as structural, functional, and spatial information, amino acid conservation, physicochemical variation, residue mobility, and thermodynamic stability) indicates that this missense variant is expected to disrupt GATAD2B protein function with a positive predictive value of 80%. In summary, the available evidence is currently insufficient to determine the role of this variant in disease. Therefore, it has been classified as a Variant of Uncertain Significance.